The following is an entry in ClinVar:

ClinVar aggregate classification (germline): Uncertain significance (1 of 4 stars; one submission).

Conditions:
Hereditary cancer-predisposing syndrome. Also called: Neoplastic Syndromes, Hereditary; Hereditary Cancer Syndrome; Hereditary neoplastic syndrome; Tumor predisposition. Identifiers: Orphanet 140162, MedGen C0027672, MeSH D009386, MONDO:0015356.

Submission:

Ambry Genetics
Classification: Uncertain significance for Hereditary cancer-predisposing syndrome. Last evaluated: 2023-03-24. Review status: criteria provided, single submitter. Criteria: Ambry Variant Classification Scheme 2023. Collection method: clinical testing. Allele origin: germline.
Comment: The p.C618S variant (also known as c.1853G>C), located in coding exon 14 of the PTCH1 gene, results from a G to C substitution at nucleotide position 1853. The cysteine at codon 618 is replaced by serine, an amino acid with dissimilar properties. This amino acid position is highly conserved in available vertebrate species. In addition, this alteration is predicted to be deleterious by in silico analysis. Since supporting evidence is limited at this time, the clinical significance of this alteration remains unclear.

NM_000264.5(PTCH1):c.1853G>C (p.Cys618Ser)

Genes: PTCH1 (patched 1; minus strand), LOC100507346 (uncharacterized LOC100507346; plus strand). Cytogenetic location: 9q22.32.
Variant type: single nucleotide variant.
Coding change: c.1853G>C on transcript NM_000264.5 (MANE Select); coding-DNA position 1853, G replaced by C.
Protein change: p.Cys618Ser; replaces cysteine 618 with serine.
Molecular consequence: missense variant. On other transcripts: non-coding transcript variant (2).
Genome position (GRCh38, 1-based): chr9:95,469,148, C>G on the plus strand (G>C on the coding strand, the complement: PTCH1 is on the minus strand). VCF-style: chr9-95469148-C-G. GRCh37 (hg19) VCF-style: chr9-98231430-C-G.
Other names: c.1655G>C, p.Cys552Ser (NM_001083602.3); c.1850G>C, p.Cys617Ser (NM_001083603.3); c.1400G>C, p.Cys467Ser (NM_001083604.3, NM_001083605.3, NM_001083606.3 and 1 more transcripts); c.1697G>C, p.Cys566Ser (NM_001354918.2); short protein forms C552S, C467S, C618S, C566S, C617S.
Identifiers: ClinVar variation 2564349 (VCV002564349.2), dbSNP rs2118062164, ClinGen allele CA374116187.
Genomic context (GRCh38, chr9:95,469,148, plus strand): 5'-CGGGTATTGTCGTGTGTGTCGGTGTAGGCCTGAGGTTCAACCTGAATCACTCTGCTGACG[C>G]AGGGGCTGAAAGGAGGGGAAACATGTTGCAATGTTATGCTGAAACAGGGAAATGGTGCTT-3'
Protein context (NP_000255.2, residues 608-628): LDIFCCFTSP[Cys618Ser]VSRVIQVEPQ